The following is an entry in ClinVar:

NM_000059.4(BRCA2):c.8632+742A>T

Gene: BRCA2 (BRCA2 DNA repair associated; plus strand). Cytogenetic location: 13q13.1.
Variant type: single nucleotide variant.
Coding change: c.8632+742A>T on transcript NM_000059.4 (MANE Select); 742 bases into the intron after coding-DNA position 8632, A replaced by T.
Molecular consequence: intron variant.
Genome position (GRCh38, 1-based): chr13:32,371,842, A>T. VCF-style: chr13-32371842-A-T. GRCh37 (hg19) VCF-style: chr13-32945979-A-T.
Other names: IVS 20+742A>T.
Identifiers: ClinVar variation 209822 (VCV000209822.1), dbSNP rs11571751, ClinGen allele CA276790.

ClinVar aggregate classification (germline): Benign (3 of 4 stars; one submission).

Conditions:
Breast-ovarian cancer, familial, susceptibility to, 2 (BROVCA2). Also called: BRCA2 Hereditary Breast and Ovarian Cancer. Identifiers: Orphanet 145, MedGen C2675520, MONDO:0012933, OMIM 612555. Disease mechanism: loss of function.

Allele frequency attached by ClinVar (database versions not stated): gnomAD 0.00737 and 0.00788; TOPMed 0.00808; 1000 Genomes Project 0.00899; 1000 Genomes Project 30x 0.00984.
gnomAD v4.1: 1,104 of 152,382 alleles (0.72%); highest among the groups gnomAD compares: African/African-American, 2.5%; 13 homozygotes.

Submission:

Evidence-based Network for the Interpretation of Germline Mutant Alleles (ENIGMA)
Classification: Benign for Breast-ovarian cancer, familial 2. Last evaluated: 2015-01-12. Review status: reviewed by expert panel. Criteria: ENIGMA BRCA1/2 Classification Criteria (2015). Collection method: curation. Allele origin: germline.
Comment: Class 1 not pathogenic based on frequency >1% in an outbred sampleset. Frequency 0.03252 (African), derived from 1000 genomes (2012-04-30).